The following is an entry in ClinVar:

ClinVar aggregate classification (germline): Uncertain significance (1 of 4 stars; one submission).

Conditions:
Hereditary breast ovarian cancer syndrome. Also called: BRCA1- and BRCA2-Associated Hereditary Breast and Ovarian Cancer; Hereditary breast and ovarian cancer; Hereditary breast and ovarian cancer syndrome; Breast and ovarian cancer; Hereditary breast and/or ovarian cancer syndrome; Hereditary breast and ovarian cancer syndrome (HBOC). Identifiers: Orphanet 145, MedGen C0677776, MeSH D061325, MONDO:0003582. Disease mechanism: loss of function.

Allele frequency attached by ClinVar (database versions not stated): gnomAD exomes below 0.00001.

Submission:

Labcorp Genetics (formerly Invitae), Labcorp
Classification: Uncertain significance for Hereditary breast ovarian cancer syndrome. Last evaluated: 2025-05-04. Review status: criteria provided, single submitter. Criteria: Invitae Variant Classification Sherloc (09022015). Collection method: clinical testing. Allele origin: germline.
Comment: This sequence change replaces serine, which is neutral and polar, with phenylalanine, which is neutral and non-polar, at codon 3218 of the BRCA2 protein (p.Ser3218Phe). The frequency data for this variant in the population databases is considered unreliable, as metrics indicate poor data quality at this position in the gnomAD database. This variant has not been reported in the literature in individuals affected with BRCA2-related conditions. ClinVar contains an entry for this variant (Variation ID: 1007715). Invitae Evidence Modeling of protein sequence and biophysical properties (such as structural, functional, and spatial information, amino acid conservation, physicochemical variation, residue mobility, and thermodynamic stability) indicates that this missense variant is not expected to disrupt BRCA2 protein function with a negative predictive value of 95%. In summary, the available evidence is currently insufficient to determine the role of this variant in disease. Therefore, it has been classified as a Variant of Uncertain Significance.

NM_000059.4(BRCA2):c.9653C>T (p.Ser3218Phe)

Gene: BRCA2 (BRCA2 DNA repair associated; plus strand). Cytogenetic location: 13q13.1.
Variant type: single nucleotide variant.
Coding change: c.9653C>T on transcript NM_000059.4 (MANE Select); coding-DNA position 9653, C replaced by T.
Protein change: p.Ser3218Phe; replaces serine 3218 with phenylalanine.
Molecular consequence: missense variant.
Genome position (GRCh38, 1-based): chr13:32,398,166, C>T. VCF-style: chr13-32398166-C-T. GRCh37 (hg19) VCF-style: chr13-32972303-C-T.
Other names: short protein forms S3218F.
Identifiers: ClinVar variation 1007715 (VCV001007715.9), dbSNP rs1188216651, ClinGen allele CA387765084.